The following is an entry in ClinVar:

NM_005461.5(MAFB):c.11A>C (p.Glu4Ala)

Gene: MAFB (MAF bZIP transcription factor B; minus strand). Cytogenetic location: 20q12.
Variant type: single nucleotide variant.
Coding change: c.11A>C on transcript NM_005461.5 (MANE Select); coding-DNA position 11, A replaced by C.
Protein change: p.Glu4Ala; replaces glutamic acid 4 with alanine.
Molecular consequence: missense variant.
Genome position (GRCh38, 1-based): chr20:40,688,840, T>G on the plus strand (A>C on the coding strand, the complement: MAFB is on the minus strand). VCF-style: chr20-40688840-T-G. GRCh37 (hg19) VCF-style: chr20-39317480-T-G.
Other names: short protein forms E4A.
Identifiers: ClinVar variation 3029379 (VCV003029379.2), dbSNP rs745460952, ClinGen allele CA9857854.

ClinVar aggregate classification (germline): Uncertain significance (0 of 4 stars; one submission).

Conditions:
MAFB-related disorder. Also called: MAFB-related condition.

Allele frequency attached by ClinVar (database versions not stated): ExAC 0.00002.
gnomAD v4.1: 14 of 1,607,096 alleles (0.00087%); highest among the groups gnomAD compares: South Asian, 0.014%; no homozygotes.

Submission:

PreventionGenetics, part of Exact Sciences
Classification: Uncertain significance for MAFB-related condition. Last evaluated: 2023-10-24. Review status: no assertion criteria provided. Collection method: clinical testing. Allele origin: germline.
Comment: The MAFB c.11A>C variant is predicted to result in the amino acid substitution p.Glu4Ala. To our knowledge, this variant has not been reported in the literature. This variant is reported in 0.0067% of alleles in individuals of South Asian descent in gnomAD. At this time, the clinical significance of this variant is uncertain due to the absence of conclusive functional and genetic evidence.